The following is an entry in ClinVar:

NM_020937.4(FANCM):c.359T>C (p.Ile120Thr)

Gene: FANCM (FA complementation group M; plus strand). Cytogenetic location: 14q21.2.
Variant type: single nucleotide variant.
Coding change: c.359T>C on transcript NM_020937.4 (MANE Select); coding-DNA position 359, T replaced by C.
Protein change: p.Ile120Thr; replaces isoleucine 120 with threonine.
Molecular consequence: missense variant.
Genome position (GRCh38, 1-based): chr14:45,136,390, T>C. VCF-style: chr14-45136390-T-C. GRCh37 (hg19) VCF-style: chr14-45605593-T-C.
Other names: c.359T>C, p.Ile120Thr (NM_001308133.2, NM_001308134.2); short protein forms I120T.
Identifiers: ClinVar variation 2681926 (VCV002681926.1), dbSNP rs1165651770, ClinGen allele CA389587942.
Genomic context (GRCh38, chr14:45,136,390, plus strand): 5'-GGGCTGCTCTGTTTTGCAATACGCTGGTGTGTCTGCCTACCGGACTGGGAAAGACCTTTA[T>C]TGCCGCCGTGGTCATGTACAATTTCTACCGCTGGTTCCCTTCAGGAAAGGTGGTCTTCAT-3'
Protein context (NP_065988.1, residues 110-130): CLPTGLGKTF[Ile120Thr]AAVVMYNFYR

ClinVar aggregate classification (germline): Uncertain significance (1 of 4 stars; one submission).

Allele frequency attached by ClinVar (database versions not stated): gnomAD exomes 0.00001; TOPMed 0.00001.
gnomAD v4.1: 4 of 1,614,154 alleles (0.00025%); highest among the groups gnomAD compares: Non-Finnish European, 0.00025%; no homozygotes.

Submission:

Quest Diagnostics Nichols Institute San Juan Capistrano
Classification: Uncertain significance. Last evaluated: 2023-06-01. Review status: criteria provided, single submitter. Criteria: Quest Diagnostics criteria. Collection method: clinical testing. Allele origin: unknown.
Comment: In a large-scale breast cancer association study, the variant was found in an unaffected individual and not seen in breast cancer cases (PMID: 33471991 (2021), see also LOVD). The frequency of this variant in the general population, 0.000004 (1/251478 chromosomes (Genome Aggregation Database)), is uninformative in the assessment of its pathogenicity. Analysis of this variant using bioinformatics tools for the prediction of the effect of amino acid changes on protein structure and function yielded predictions that this variant is damaging. Based on the available information, we are unable to determine the clinical significance of this variant.

Literature cited by the submitters: PubMed 33471991.